The following is an entry in ClinVar:

ClinVar aggregate classification (germline): Likely benign. Review status: criteria provided, multiple submitters, no conflicts (2 of 4 stars). 3 submissions from 3 submitters: Likely benign (2). 1 of the submissions does not count toward it. Last evaluated 2025-05-01.

Conditions:
Thrombocytopenia. Identifiers: MedGen C0040034, MeSH D013921, MONDO:0002049, HP:0001873.
Abnormal bleeding. Also called: Bleeding diathesis. Identifiers: MedGen C1458140, HP:0001892.
SLFN14-related disorder. Also called: SLFN14-related condition.

Allele frequency attached by ClinVar (database versions not stated): ExAC 0.00020; gnomAD 0.00039 and 0.00041; TOPMed 0.00042; gnomAD exomes 0.00044 and 0.00073; ESP Exome Variant Server 0.00110.
gnomAD v4.1: 1,114 of 1,551,582 alleles (0.072%); highest among the groups gnomAD compares: Non-Finnish European, 0.087%; 1 homozygote.

Submissions (3):

PreventionGenetics, part of Exact Sciences
Classification: Likely benign for SLFN14-related condition. Last evaluated: 2025-05-01. Review status: criteria provided, single submitter. Criteria: ACMG Guidelines, 2015. Collection method: clinical testing. Allele origin: germline.
Comment: This variant is classified as likely benign based on ACMG/AMP sequence variant interpretation guidelines (Richards et al. 2015 PMID: 25741868, with internal and published modifications).

Blueprint Genetics
Classification: Likely benign. Last evaluated: 2024-11-11. Review status: criteria provided, single submitter. Criteria: ACMG Guidelines, 2015. Collection method: clinical testing. Allele origin: germline.

Birmingham Platelet Group; University of Birmingham
Classification: Uncertain significance for Thrombocytopenia; Abnormal bleeding. Last evaluated: 2020-05-01. Review status: no assertion criteria provided. Collection method: research. Allele origin: germline. Affected: yes. Not counted in ClinVar's aggregate classification.

NM_001129820.2(SLFN14):c.916G>C (p.Asp306His)

Gene: SLFN14 (schlafen family member 14; minus strand). Cytogenetic location: 17q12.
Variant type: single nucleotide variant.
Coding change: c.916G>C on transcript NM_001129820.2 (MANE Select); coding-DNA position 916, G replaced by C.
Protein change: p.Asp306His; replaces aspartic acid 306 with histidine.
Molecular consequence: missense variant.
Genome position (GRCh38, 1-based): chr17:35,557,147, C>G on the plus strand (G>C on the coding strand, the complement: SLFN14 is on the minus strand). VCF-style: chr17-35557147-C-G. GRCh37 (hg19) VCF-style: chr17-33884166-C-G.
Other names: short protein forms D306H.
Identifiers: ClinVar variation 988844 (VCV000988844.3), dbSNP rs373500415, ClinGen allele CA8504678.